The following is an entry in ClinVar:

ClinVar aggregate classification (germline): Uncertain significance (1 of 4 stars; one submission).

Submission:

Labcorp Genetics (formerly Invitae), Labcorp
Classification: Uncertain significance. Last evaluated: 2025-01-20. Review status: criteria provided, single submitter. Criteria: Invitae Variant Classification Sherloc (09022015). Collection method: clinical testing. Allele origin: germline.
Comment: This variant, c.3171_3185del, results in the deletion of 5 amino acid(s) of the ARHGEF18 protein (p.Asp1060_Lys1064del), but otherwise preserves the integrity of the reading frame. This variant is present in population databases (no rsID available, gnomAD 0.007%). This variant has not been reported in the literature in individuals affected with ARHGEF18-related conditions. ClinVar contains an entry for this variant (Variation ID: 1040848). Experimental studies and prediction algorithms are not available or were not evaluated, and the functional significance of this variant is currently unknown. In summary, the available evidence is currently insufficient to determine the role of this variant in disease. Therefore, it has been classified as a Variant of Uncertain Significance.

NM_001367823.1(ARHGEF18):c.3735_3749del (p.Asp1248_Lys1252del)

Gene: ARHGEF18 (Rho/Rac guanine nucleotide exchange factor 18; plus strand). Cytogenetic location: 19p13.2.
Variant type: Deletion.
Coding change: c.3735_3749del on transcript NM_001367823.1 (MANE Select); coding-DNA positions 3735 to 3749, 15 bases deleted (TGGCAAGGACAAGGG).
Protein change: p.Asp1248_Lys1252del.
Molecular consequence: inframe deletion.
Genome position (GRCh38, 1-based): chr19:7,469,079-7,469,093, TGGCAAGGACAAGGG deleted; deleting any 15 consecutive bases within chr19:7,469,073-7,469,093 gives the same sequence; the c. name uses the placement nearest the transcript's 3' end. VCF-style (leftmost placement, unchanged base first): chr19-7469072-CCAAGGGTGGCAAGGA-C. GRCh37 (hg19) VCF-style: chr19-7533958-CCAAGGGTGGCAAGGA-C.
Other names: c.3009_3023del, p.Asp1006_Lys1010del (NM_001130955.2); c.2697_2711del, p.Asp902_Lys906del (NM_001367824.1, NM_015318.4).
Identifiers: ClinVar variation 1040848 (VCV001040848.8), dbSNP rs1236857884, ClinGen allele CA631462370.